The following is an entry in ClinVar:

ClinVar aggregate classification (germline): Uncertain significance. Review status: criteria provided, multiple submitters, no conflicts (2 of 4 stars). 3 submissions from 3 submitters: Uncertain significance (2). 1 of the submissions does not count toward it. Last evaluated 2025-07-08.

Allele frequency attached by ClinVar (database versions not stated): ExAC 0.00008; ESP Exome Variant Server 0.00008; TOPMed 0.00008; gnomAD exomes 0.00010 and 0.00012; gnomAD 0.00011.
gnomAD v4.1: 195 of 1,613,892 alleles (0.012%); highest among the groups gnomAD compares: Middle Eastern, 0.017%; 1 homozygote.

Submissions (3):

Ambry Genetics
Classification: Uncertain significance. Last evaluated: 2025-07-08. Review status: criteria provided, single submitter. Criteria: Ambry Variant Classification Scheme 2023. Collection method: clinical testing. Allele origin: germline.

Labcorp Genetics (formerly Invitae), Labcorp
Classification: Uncertain significance. Last evaluated: 2024-07-20. Review status: criteria provided, single submitter. Criteria: Invitae Variant Classification Sherloc (09022015). Collection method: clinical testing. Allele origin: germline.
Comment: This sequence change replaces aspartic acid, which is acidic and polar, with asparagine, which is neutral and polar, at codon 613 of the NUP133 protein (p.Asp613Asn). This variant is present in population databases (rs150406381, gnomAD 0.02%). This variant has not been reported in the literature in individuals affected with NUP133-related conditions. ClinVar contains an entry for this variant (Variation ID: 1049991). An algorithm developed to predict the effect of missense changes on protein structure and function (PolyPhen-2) suggests that this variant is likely to be tolerated. In summary, the available evidence is currently insufficient to determine the role of this variant in disease. Therefore, it has been classified as a Variant of Uncertain Significance.

Department of Pathology and Laboratory Medicine, Sinai Health System
Classification: Uncertain significance. Review status: no assertion criteria provided. Collection method: clinical testing. Allele origin: unknown. Affected: yes. Study: The Canadian Open Genetics Repository (COGR). Not counted in ClinVar's aggregate classification.
Comment: The NUP133 p.Asp613Asn variant was not identified in the literature nor was it identified in ClinVar. The variant was identified in dbSNP (ID: rs150406381) and in control databases in 27 of 282798 chromosomes at a frequency of 0.00009547 (Genome Aggregation Database March 6, 2019, v2.1.1). The variant was observed in the following populations: European (non-Finnish) in 21 of 129114 chromosomes (freq: 0.000163), Latino in 5 of 35440 chromosomes (freq: 0.000141) and African in 1 of 24966 chromosomes (freq: 0.00004), but was not observed in the Ashkenazi Jewish, East Asian, European (Finnish), Other, or South Asian populations. The p.Asp613 residue is conserved in mammals and computational analyses (PolyPhen-2, SIFT, AlignGVGD, BLOSUM, MutationTaster) do not suggest a high likelihood of impact to the protein; this information is not very predictive of pathogenicity. The variant occurs outside of the splicing consensus sequence and in silico or computational prediction software programs (SpliceSiteFinder, MaxEntScan, NNSPLICE, GeneSplicer) do not predict a difference in splicing. In summary, based on the above information the clinical significance of this variant cannot be determined with certainty at this time. This variant is classified as a variant of uncertain significance.

NM_018230.3(NUP133):c.1837G>A (p.Asp613Asn)

Gene: NUP133 (nucleoporin 133; minus strand). Cytogenetic location: 1q42.13.
Variant type: single nucleotide variant.
Coding change: c.1837G>A on transcript NM_018230.3 (MANE Select); coding-DNA position 1837, G replaced by A.
Protein change: p.Asp613Asn; replaces aspartic acid 613 with asparagine.
Molecular consequence: missense variant.
Genome position (GRCh38, 1-based): chr1:229,475,652, C>T on the plus strand (G>A on the coding strand, the complement: NUP133 is on the minus strand). VCF-style: chr1-229475652-C-T. GRCh37 (hg19) VCF-style: chr1-229611399-C-T.
Other names: c.1837G>A (NM_018230.2); short protein forms D613N.
Identifiers: ClinVar variation 1049991 (VCV001049991.7), dbSNP rs150406381, ClinGen allele CA1443439.
Genomic context (GRCh38, chr1:229,475,652, plus strand): 5'-AGACTGCCAAAGGCAGAGCCCTGTGCCCAGCACCCTGCGCTCTTACTTGATGAATAAAGT[C>T]CATAAGAAAAGAGTGAGCTTTCATCTTGTCTTCTAGCTGGTGAAGGATAATCAGTGACGT-3'
Protein context (NP_060700.2, residues 603-623): DKMKAHSFLM[Asp613Asn]FIHQVGLFGR